The following is an entry in ClinVar:

ClinVar aggregate classification (germline): Likely benign. Review status: criteria provided, multiple submitters, no conflicts (2 of 4 stars). 3 submissions from 3 submitters: Likely benign (3). Last evaluated 2023-08-24.

Conditions:
Catecholaminergic polymorphic ventricular tachycardia (CVPT). Also called: Catecholamine-induced polymorphic ventricular tachycardia. Identifiers: Orphanet 3286, MedGen C5574922, MONDO:0017990.
Cardiomyopathy (CMYO). Also called: Cardiomyopathies. Identifiers: Orphanet 167848, MedGen C0878544, MONDO:0004994, HP:0001638. Inheritance: Various modes of inheritance.
Catecholaminergic polymorphic ventricular tachycardia 1. Also called: VENTRICULAR TACHYCARDIA, CATECHOLAMINERGIC POLYMORPHIC, 1, WITH OR WITHOUT ATRIAL DYSFUNCTION AND/OR DILATED CARDIOMYOPATHY; RYR2-Related Catecholaminergic Polymorphic Ventricular Tachycardia; VENTRICULAR TACHYCARDIA, STRESS-INDUCED POLYMORPHIC 1. Identifiers: Orphanet 3286, MedGen C1631597, MONDO:0011484, OMIM 604772.

gnomAD v4.1: 2 of 1,592,256 alleles (0.00013%); highest among the groups gnomAD compares: Non-Finnish European, 0.00017%; no homozygotes.

Submissions (3):

Labcorp Genetics (formerly Invitae), Labcorp
Classification: Likely benign for Catecholaminergic polymorphic ventricular tachycardia 1. Last evaluated: 2023-08-24. Review status: criteria provided, single submitter. Criteria: Invitae Variant Classification Sherloc (09022015). Collection method: clinical testing. Allele origin: germline.

All of Us Research Program, National Institutes of Health
Classification: Likely benign for Catecholaminergic polymorphic ventricular tachycardia. Last evaluated: 2023-08-15. Review status: criteria provided, single submitter. Criteria: ACMG Guidelines, 2015. Collection method: clinical testing. Allele origin: germline. Inheritance: Autosomal dominant inheritance. Observed: 2 variant alleles, 2 heterozygotes.
Comment: This study involves interpretation of variants in research participants for the purpose of population health screening. Participant phenotype was not available at the time of variant classification. Additional details can be found in publication PMID: 35346344, PMCID: PMC8962531

Color Diagnostics, LLC DBA Color Health
Classification: Likely benign for Cardiomyopathy. Last evaluated: 2022-11-06. Review status: criteria provided, single submitter. Criteria: ACMG Guidelines, 2015. Collection method: clinical testing. Allele origin: germline.

NM_001035.3(RYR2):c.11964T>A (p.Gly3988=)

Gene: RYR2 (ryanodine receptor 2; plus strand). Cytogenetic location: 1q43.
Variant type: single nucleotide variant.
Coding change: c.11964T>A on transcript NM_001035.3 (MANE Select); coding-DNA position 11964, T replaced by A.
Protein change: p.Gly3988=; no amino-acid change (glycine 3988 retained).
Molecular consequence: synonymous variant.
Genome position (GRCh38, 1-based): chr1:237,783,676, T>A. VCF-style: chr1-237783676-T-A. GRCh37 (hg19) VCF-style: chr1-237946976-T-A.
Identifiers: ClinVar variation 2083070 (VCV002083070.6), dbSNP rs2527771994, ClinGen allele CA424031730.
Genomic context (GRCh38, chr1:237,783,676, plus strand): 5'-CTGTATGATCACTGATTTTGTTAGTTTATTTTAAACAAATGCAACTGCTTTACCACCAGG[T>A]AATGTTGTTAATGGAACGATTGGCAAACAGATGGTGGATATGCTTGTGGAATCTTCCAAC-3'
Protein context (NP_001026.2, residues 3978-3998): MVVMLLSMLE[Gly3988=]NVVNGTIGKQ